The following is an entry in ClinVar:

NM_182977.3(NNT):c.1356_1357del (p.Lys453fs)

Gene: NNT (nicotinamide nucleotide transhydrogenase; plus strand). Cytogenetic location: 5p12.
Variant type: Deletion.
Coding change: c.1356_1357del on transcript NM_182977.3 (MANE Select); coding-DNA positions 1356 to 1357, 2 bases deleted (GA; older notation c.1356_1357delGA).
Protein change: p.Lys453fs; shifts the reading frame from lysine 453.
Molecular consequence: frameshift variant.
Genome position (GRCh38, 1-based): chr5:43,645,422-43,645,423, GA deleted; deleting any 2 consecutive bases within chr5:43,645,421-43,645,423 gives the same sequence; the c. name uses the placement nearest the transcript's 3' end. VCF-style (leftmost placement, unchanged base first): chr5-43645420-CAG-C. GRCh37 (hg19) VCF-style: chr5-43645522-CAG-C.
Other names: c.963_964del, p.Lys322fs (NM_001331026.2); c.1356_1357del, p.Lys453fs (NM_012343.4); c.1356_1357delGA (NM_012343.4); short protein forms K453fs, K322fs.
Identifiers: ClinVar variation 2112825 (VCV002112825.5), dbSNP rs2478499700, ClinGen allele CA2580073303.

ClinVar aggregate classification (germline): Pathogenic/Likely pathogenic. Review status: criteria provided, multiple submitters, no conflicts (2 of 4 stars). 2 submissions from 2 submitters: Pathogenic (1); Likely pathogenic (1). Last evaluated 2025-03-27.

Conditions:
Glucocorticoid deficiency 4. Also called: Glucocorticoid deficiency 4 with or without mineralocorticoid deficiency. Identifiers: Orphanet 361, MedGen C3553587, MONDO:0013874, OMIM 614736.

Submissions (2):

First Genomix Gene Laboratory, Genetic Diagnostics Department
Classification: Likely pathogenic for Glucocorticoid deficiency 4. Last evaluated: 2025-03-27. Review status: criteria provided, single submitter. Criteria: ACMG Guidelines, 2015. Collection method: clinical testing. Allele origin: germline. Inheritance: Autosomal recessive inheritance. Affected: no. Observed: 1 variant allele.

Labcorp Genetics (formerly Invitae), Labcorp
Classification: Pathogenic. Last evaluated: 2022-03-19. Review status: criteria provided, single submitter. Criteria: Invitae Variant Classification Sherloc (09022015). Collection method: clinical testing. Allele origin: germline.
Comment: For these reasons, this variant has been classified as Pathogenic. This variant has not been reported in the literature in individuals affected with NNT-related conditions. This variant is not present in population databases (gnomAD no frequency). This sequence change creates a premature translational stop signal (p.Lys453Aspfs*4) in the NNT gene. It is expected to result in an absent or disrupted protein product. Loss-of-function variants in NNT are known to be pathogenic (PMID: 22634753, 25459914).

Literature cited by the submitters: PubMed 22634753 (cited by Labcorp Genetics (formerly Invitae), Labcorp); PubMed 25459914 (cited by Labcorp Genetics (formerly Invitae), Labcorp).